The following is an entry in ClinVar:

NM_001039348.3(EFEMP1):c.292A>G (p.Thr98Ala)

Gene: EFEMP1 (EGF-like fibulin extracellular matrix protein 1; minus strand). Cytogenetic location: 2p16.1.
Variant type: single nucleotide variant.
Coding change: c.292A>G on transcript NM_001039348.3 (MANE Select); coding-DNA position 292, A replaced by G.
Protein change: p.Thr98Ala; replaces threonine 98 with alanine.
Molecular consequence: missense variant.
Genome position (GRCh38, 1-based): chr2:55,917,890, T>C on the plus strand (A>G on the coding strand, the complement: EFEMP1 is on the minus strand). VCF-style: chr2-55917890-T-C. GRCh37 (hg19) VCF-style: chr2-56145025-T-C.
Other names: c.292A>G, p.Thr98Ala (NM_001039349.3); c.292A>G (NM_001039348.2); short protein forms T98A.
Identifiers: ClinVar variation 1373731 (VCV001373731.7), dbSNP rs1572850949, ClinGen allele CA347026763.
Genomic context (GRCh38, chr2:55,917,890, plus strand): 5'-AACCACCCCCGGGCAACACTCCACTGGTTGCCATGCTGCTGGCAGCTACAACCCCGGTGG[T>C]TGCCCCTGAGGTTCCTTCTGCTGGTTGTGTTTCCTGCTGAGGCTGTTCATTATTGACAAT-3'
Protein context (NP_001034437.1, residues 88-108): TQPAEGTSGA[Thr98Ala]TGVVAASSMA

ClinVar aggregate classification (germline): Uncertain significance. Review status: criteria provided, multiple submitters, no conflicts (2 of 4 stars). 2 submissions from 2 submitters: Uncertain significance (2). Last evaluated 2025-12-09.

Conditions:
Inborn genetic diseases. Identifiers: MedGen C0950123, MeSH D030342.

Allele frequency attached by ClinVar (database versions not stated): gnomAD exomes below 0.00001.
gnomAD v4.1: 1 of 1,614,230 alleles (0.000062%); highest among the groups gnomAD compares: Non-Finnish European, 0.000085%; no homozygotes.

Submissions (2):

Ambry Genetics
Classification: Uncertain significance for Inborn genetic diseases. Last evaluated: 2025-12-09. Review status: criteria provided, single submitter. Criteria: Ambry Variant Classification Scheme 2023. Collection method: clinical testing. Allele origin: germline.

Labcorp Genetics (formerly Invitae), Labcorp
Classification: Uncertain significance. Last evaluated: 2021-08-09. Review status: criteria provided, single submitter. Criteria: Invitae Variant Classification Sherloc (09022015). Collection method: clinical testing. Allele origin: germline.
Comment: This sequence change replaces threonine with alanine at codon 98 of the EFEMP1 protein (p.Thr98Ala). The threonine residue is weakly conserved and there is a small physicochemical difference between threonine and alanine. In summary, the available evidence is currently insufficient to determine the role of this variant in disease. Therefore, it has been classified as a Variant of Uncertain Significance. Algorithms developed to predict the effect of missense changes on protein structure and function output the following: SIFT: "Tolerated"; PolyPhen-2: "Benign"; Align-GVGD: "Class C0". The alanine amino acid residue is found in multiple mammalian species, which suggests that this missense change does not adversely affect protein function. This variant has not been reported in the literature in individuals affected with EFEMP1-related conditions. This variant is not present in population databases (ExAC no frequency).